The following is an entry in ClinVar:

NM_170606.3(KMT2C):c.337T>C (p.Ser113Pro)

Gene: KMT2C (lysine methyltransferase 2C; minus strand). Cytogenetic location: 7q36.1.
Variant type: single nucleotide variant.
Coding change: c.337T>C on transcript NM_170606.3 (MANE Select); coding-DNA position 337, T replaced by C.
Protein change: p.Ser113Pro; replaces serine 113 with proline.
Molecular consequence: missense variant.
Genome position (GRCh38, 1-based): chr7:152,330,653, A>G on the plus strand (T>C on the coding strand, the complement: KMT2C is on the minus strand). VCF-style: chr7-152330653-A-G. GRCh37 (hg19) VCF-style: chr7-152027738-A-G.
Other names: short protein forms S113P.
Identifiers: ClinVar variation 2630520 (VCV002630520.1), dbSNP rs2486196623, ClinGen allele CA370197384.

ClinVar aggregate classification (germline): Uncertain significance (1 of 4 stars; one submission).

Conditions:
KMT2C-related disorder. Also called: KMT2C-related condition; KMT2C-related disorders.

Submission:

PreventionGenetics, part of Exact Sciences
Classification: Uncertain significance for KMT2C-related condition. Last evaluated: 2023-02-15. Review status: criteria provided, single submitter. Criteria: ACMG Guidelines, 2015. Collection method: clinical testing. Allele origin: germline.
Comment: The KMT2C c.337T>C variant is predicted to result in the amino acid substitution p.Ser113Pro. To our knowledge, this variant has not been reported in the literature or in a large population database, indicating this variant is rare. At this time, the clinical significance of this variant is uncertain due to the absence of conclusive functional and genetic evidence.